The following is an entry in ClinVar:

NM_014780.5(CUL7):c.789C>A (p.Leu263=)

Gene: CUL7 (cullin 7; minus strand). Cytogenetic location: 6p21.1.
Variant type: single nucleotide variant.
Coding change: c.789C>A on transcript NM_014780.5 (MANE Select); coding-DNA position 789, C replaced by A.
Protein change: p.Leu263=; no amino-acid change (leucine 263 retained).
Molecular consequence: synonymous variant.
Genome position (GRCh38, 1-based): chr6:43,051,412, G>T on the plus strand (C>A on the coding strand, the complement: CUL7 is on the minus strand). VCF-style: chr6-43051412-G-T. GRCh37 (hg19) VCF-style: chr6-43019150-G-T.
Other names: c.885C>A, p.Leu295= (NM_001168370.2, NM_001374872.1); c.789C>A, p.Leu263= (NM_001374873.1, NM_001374874.1).
Identifiers: ClinVar variation 3053742 (VCV003053742.2), dbSNP rs1193040139, ClinGen allele CA450370414.

ClinVar aggregate classification (germline): Likely benign (0 of 4 stars; one submission).

Conditions:
CUL7-related disorder. Also called: CUL7-related condition.

Submission:

PreventionGenetics, part of Exact Sciences
Classification: Likely benign for CUL7-related condition. Last evaluated: 2019-09-05. Review status: no assertion criteria provided. Collection method: clinical testing. Allele origin: germline.
Comment: This variant is classified as likely benign based on ACMG/AMP sequence variant interpretation guidelines (Richards et al. 2015 PMID: 25741868, with internal and published modifications).